The following is an entry in ClinVar:

ClinVar aggregate classification (germline): Uncertain significance (1 of 4 stars; one submission).

Allele frequency attached by ClinVar (database versions not stated): gnomAD exomes below 0.00001; ExAC 0.00001; gnomAD 0.00001; TOPMed 0.00001; ESP Exome Variant Server 0.00008.
gnomAD v4.1: 3 of 1,613,574 alleles (0.00019%); highest among the groups gnomAD compares: East Asian, 0.0022%; no homozygotes.

Submission:

Labcorp Genetics (formerly Invitae), Labcorp
Classification: Uncertain significance. Last evaluated: 2022-11-01. Review status: criteria provided, single submitter. Criteria: Invitae Variant Classification Sherloc (09022015). Collection method: clinical testing. Allele origin: germline.
Comment: In summary, the available evidence is currently insufficient to determine the role of this variant in disease. Therefore, it has been classified as a Variant of Uncertain Significance. Algorithms developed to predict the effect of missense changes on protein structure and function (SIFT, PolyPhen-2, Align-GVGD) all suggest that this variant is likely to be tolerated. This variant has not been reported in the literature in individuals affected with PPP2R5D-related conditions. This variant is present in population databases (rs144675117, gnomAD 0.002%). This sequence change replaces lysine, which is basic and polar, with arginine, which is basic and polar, at codon 13 of the PPP2R5D protein (p.Lys13Arg).

NM_006245.4(PPP2R5D):c.38A>G (p.Lys13Arg)

Gene: PPP2R5D (protein phosphatase 2 regulatory subunit B'delta; plus strand). Cytogenetic location: 6p21.1.
Variant type: single nucleotide variant.
Coding change: c.38A>G on transcript NM_006245.4 (MANE Select); coding-DNA position 38, A replaced by G.
Protein change: p.Lys13Arg; replaces lysine 13 with arginine.
Molecular consequence: missense variant. On other transcripts: 5 prime UTR variant (1), intron variant (1).
Genome position (GRCh38, 1-based): chr6:42,989,621, A>G. VCF-style: chr6-42989621-A-G. GRCh37 (hg19) VCF-style: chr6-42957359-A-G.
Other names: c.-433A>G (NM_001270476.2); c.38A>G, p.Lys13Arg (NM_180976.3); c.27+4917A>G (NM_180977.3); short protein forms K13R.
Identifiers: ClinVar variation 3001938 (VCV003001938.3), dbSNP rs144675117, ClinGen allele CA3811719.